The following is an entry in ClinVar:

ClinVar aggregate classification (germline): Likely benign. Review status: criteria provided, multiple submitters, no conflicts (2 of 4 stars). 3 submissions from 3 submitters: Likely benign (3). Last evaluated 2026-01-26.

Conditions:
Sphingolipid activator protein 1 deficiency. Also called: Metachromatic leukodystrophy due to saposin B deficiency; METACHROMATIC LEUKODYSTROPHY DUE TO CEREBROSIDE SULFATASE ACTIVATOR DEFICIENCY; Saposin B Deficiency. Identifiers: Orphanet 512, MedGen C0268262, MONDO:0009590, OMIM 249900.

Allele frequency attached by ClinVar (database versions not stated): gnomAD 0.00001 and 0.00003; TOPMed 0.00002.
gnomAD v4.1: 27 of 1,608,890 alleles (0.0017%); highest among the groups gnomAD compares: Middle Eastern, 0.033%; no homozygotes.

Submissions (3):

Labcorp Genetics (formerly Invitae), Labcorp
Classification: Likely benign for Sphingolipid activator protein 1 deficiency. Last evaluated: 2026-01-26. Review status: criteria provided, single submitter. Criteria: Invitae Variant Classification Sherloc (09022015). Collection method: clinical testing. Allele origin: germline.

Mayo Clinic Laboratories, Mayo Clinic
Classification: Likely benign. Last evaluated: 2025-09-25. Review status: criteria provided, single submitter. Criteria: ACMG Guidelines, 2015. Collection method: clinical testing. Allele origin: germline. Observed: 1 variant allele.
Comment: BP4, BP7

Blueprint Genetics
Classification: Likely benign. Last evaluated: 2023-05-30. Review status: criteria provided, single submitter. Criteria: ACMG Guidelines, 2015. Collection method: clinical testing. Allele origin: germline.

NM_002778.4(PSAP):c.1006-20G>A

Gene: PSAP (prosaposin; minus strand). Cytogenetic location: 10q22.1.
Variant type: single nucleotide variant.
Coding change: c.1006-20G>A on transcript NM_002778.4 (MANE Select); 20 bases into the intron before coding-DNA position 1006, G replaced by A.
Molecular consequence: intron variant.
Genome position (GRCh38, 1-based): chr10:71,819,920, C>T on the plus strand (G>A on the coding strand, the complement: PSAP is on the minus strand). VCF-style: chr10-71819920-C-T. GRCh37 (hg19) VCF-style: chr10-73579677-C-T.
Other names: p.?; c.1012-20G>A (NM_001042466.3); c.1015-20G>A (NM_001042465.3).
Identifiers: ClinVar variation 1580318 (VCV001580318.10), dbSNP rs751608981, ClinGen allele CA5547518.